The following is an entry in ClinVar:

ClinVar aggregate classification (germline): Likely benign (1 of 4 stars; one submission).

Allele frequency attached by ClinVar (database versions not stated): gnomAD 0.00022; gnomAD exomes 0.00069; TOPMed 0.00090.
gnomAD v4.1: 336 of 610,830 alleles (0.055%); highest among the groups gnomAD compares: Admixed American, 0.7%; 2 homozygotes.

Submission:

GeneDx
Classification: Likely benign. Last evaluated: 2020-03-26. Review status: criteria provided, single submitter. Criteria: GeneDx Variant Classification Process June 2021. Collection method: clinical testing. Allele origin: germline. Affected: yes.
Comment: See Variant Classification Assertion Criteria.

NM_001113491.2(SEPTIN9):c.*213C>T

Gene: SEPTIN9 (septin 9; plus strand). Cytogenetic location: 17q25.3.
Variant type: single nucleotide variant.
Coding change: c.*213C>T on transcript NM_001113491.2 (MANE Select); 213 bases downstream of the stop codon, C replaced by T.
Molecular consequence: 3 prime UTR variant.
Genome position (GRCh38, 1-based): chr17:77,498,871, C>T. VCF-style: chr17-77498871-C-T. GRCh37 (hg19) VCF-style: chr17-75494953-C-T.
Other names: c.*213C>T (NM_001113492.2, NM_001113493.2, NM_001113494.1 and 7 more transcripts).
Identifiers: ClinVar variation 1804497 (VCV001804497.1), dbSNP rs891469973, ClinGen allele CA294294927.